The following is an entry in ClinVar:

NM_030665.4(RAI1):c.3472T>A (p.Ser1158Thr)

Gene: RAI1 (retinoic acid induced 1; plus strand). Cytogenetic location: 17p11.2.
Variant type: single nucleotide variant.
Coding change: c.3472T>A on transcript NM_030665.4 (MANE Select); coding-DNA position 3472, T replaced by A.
Protein change: p.Ser1158Thr; replaces serine 1158 with threonine.
Molecular consequence: missense variant.
Genome position (GRCh38, 1-based): chr17:17,796,420, T>A. VCF-style: chr17-17796420-T-A. GRCh37 (hg19) VCF-style: chr17-17699734-T-A.
Other names: short protein forms S1158T.
Identifiers: ClinVar variation 1714936 (VCV001714936.5), dbSNP rs2508587156, ClinGen allele CA398553883.

ClinVar aggregate classification (germline): Uncertain significance (1 of 4 stars; one submission).

Submission:

Labcorp Genetics (formerly Invitae), Labcorp
Classification: Uncertain significance. Last evaluated: 2022-10-16. Review status: criteria provided, single submitter. Criteria: Invitae Variant Classification Sherloc (09022015). Collection method: clinical testing. Allele origin: germline.
Comment: This sequence change replaces serine, which is neutral and polar, with threonine, which is neutral and polar, at codon 1158 of the RAI1 protein (p.Ser1158Thr). This variant is not present in population databases (gnomAD no frequency). This variant has not been reported in the literature in individuals affected with RAI1-related conditions. Advanced modeling of protein sequence and biophysical properties (such as structural, functional, and spatial information, amino acid conservation, physicochemical variation, residue mobility, and thermodynamic stability) performed at Invitae indicates that this missense variant is not expected to disrupt RAI1 protein function. In summary, the available evidence is currently insufficient to determine the role of this variant in disease. Therefore, it has been classified as a Variant of Uncertain Significance.